The following is an entry in ClinVar:

ClinVar aggregate classification (germline): Uncertain significance (1 of 4 stars; one submission).

gnomAD v4.1: 78 of 1,614,028 alleles (0.0048%); highest among the groups gnomAD compares: South Asian, 0.058%; no homozygotes.

Submission:

Women's Health and Genetics/Laboratory Corporation of America, LabCorp
Classification: Uncertain significance. Last evaluated: 2025-07-18. Review status: criteria provided, single submitter. Criteria: LabCorp Variant Classification Summary - May 2015. Collection method: clinical testing. Allele origin: germline.
Comment: Variant summary: GP6 c.1130A>G (p.Gln377Arg) results in a conservative amino acid change in the encoded protein sequence. Algorithms developed to predict the effect of missense changes on protein structure and function all suggest that this variant is likely to be tolerated. The variant allele was found at a frequency of 8.8e-05 in 249282 control chromosomes, predominantly at a frequency of 0.00065 within the South Asian subpopulation in the gnomAD database. This frequency is not significantly higher than estimated for a pathogenic variant in GP6 causing Platelet-Type Bleeding Disorder 11, allowing no conclusion about variant significance. To our knowledge, no occurrence of c.1130A>G in individuals affected with Platelet-Type Bleeding Disorder 11 and no experimental evidence demonstrating its impact on protein function have been reported. No submitters have cited clinical-significance assessments for this variant to ClinVar. Based on the evidence outlined above, the variant was classified as uncertain significance.

NM_016363.5(GP6):c.*106A>G

Gene: GP6 (glycoprotein VI platelet; minus strand). Cytogenetic location: 19q13.42.
Variant type: single nucleotide variant.
Coding change: c.*106A>G on transcript NM_016363.5 (MANE Select); 106 bases downstream of the stop codon, A replaced by G.
Molecular consequence: 3 prime UTR variant. On other transcripts: missense variant (1).
Genome position (GRCh38, 1-based): chr19:55,014,815, T>C on the plus strand (A>G on the coding strand, the complement: GP6 is on the minus strand). VCF-style: chr19-55014815-T-C. GRCh37 (hg19) VCF-style: chr19-55526183-T-C.
Other names: c.1130A>G, p.Gln377Arg (NM_001083899.2); c.*106A>G (NM_001256017.2); short protein forms Q377R.
Identifiers: ClinVar variation 4525777 (VCV004525777.1).